The following is an entry in ClinVar:

NM_172240.3(POC1B):c.110C>T (p.Ser37Phe)

Genes: POC1B (POC1 centriolar protein B; minus strand), POC1B-DUSP6 (POC1B-DUSP6 readthrough; minus strand). Cytogenetic location: 12q21.33.
Variant type: single nucleotide variant.
Coding change: c.110C>T on transcript NM_172240.3 (MANE Select); coding-DNA position 110, C replaced by T.
Protein change: p.Ser37Phe; replaces serine 37 with phenylalanine.
Molecular consequence: missense variant. On other transcripts: 5 prime UTR variant (1).
Genome position (GRCh38, 1-based): chr12:89,497,333, G>A on the plus strand (C>T on the coding strand, the complement: POC1B is on the minus strand). VCF-style: chr12-89497333-G-A. GRCh37 (hg19) VCF-style: chr12-89891110-G-A.
Other names: c.-17C>T (NM_001199777.2); c.110C>T (NM_172240.2); short protein forms S37F.
Identifiers: ClinVar variation 2082469 (VCV002082469.5), dbSNP rs2540487272, ClinGen allele CA385994741.

ClinVar aggregate classification (germline): Uncertain significance. Review status: criteria provided, multiple submitters, no conflicts (2 of 4 stars). 2 submissions from 2 submitters: Uncertain significance (2). Last evaluated 2025-08-31.

Conditions:
Inborn genetic diseases. Identifiers: MedGen C0950123, MeSH D030342.

Allele frequency attached by ClinVar (database versions not stated): gnomAD exomes below 0.00001.
gnomAD v4.1: 1 of 1,611,418 alleles (0.000062%); highest among the groups gnomAD compares: Non-Finnish European, 0.000085%; no homozygotes.

Submissions (2):

Ambry Genetics
Classification: Uncertain significance for Inborn genetic diseases. Last evaluated: 2025-08-31. Review status: criteria provided, single submitter. Criteria: Ambry Variant Classification Scheme 2023. Collection method: clinical testing. Allele origin: germline.

Labcorp Genetics (formerly Invitae), Labcorp
Classification: Uncertain significance. Last evaluated: 2023-08-17. Review status: criteria provided, single submitter. Criteria: Invitae Variant Classification Sherloc (09022015). Collection method: clinical testing. Allele origin: germline.
Comment: In summary, the available evidence is currently insufficient to determine the role of this variant in disease. Therefore, it has been classified as a Variant of Uncertain Significance. This sequence change replaces serine, which is neutral and polar, with phenylalanine, which is neutral and non-polar, at codon 37 of the POC1B protein (p.Ser37Phe). This variant is not present in population databases (gnomAD no frequency). This variant has not been reported in the literature in individuals affected with POC1B-related conditions. ClinVar contains an entry for this variant (Variation ID: 2082469). Advanced modeling of protein sequence and biophysical properties (such as structural, functional, and spatial information, amino acid conservation, physicochemical variation, residue mobility, and thermodynamic stability) performed at Invitae indicates that this missense variant is expected to disrupt POC1B protein function.